The following is an entry in ClinVar:

NM_144687.4(NLRP12):c.1192_1193del (p.Phe398fs)

Gene: NLRP12 (NLR family pyrin domain containing 12; minus strand). Cytogenetic location: 19q13.42.
Variant type: Deletion.
Coding change: c.1192_1193del on transcript NM_144687.4 (MANE Select); coding-DNA positions 1192 to 1193, 2 bases deleted (TT; older notation c.1192_1193delTT).
Protein change: p.Phe398fs; shifts the reading frame from phenylalanine 398.
Molecular consequence: frameshift variant.
Genome position (GRCh38, 1-based): chr19:53,810,466-53,810,467, AA deleted on the plus strand (TT on the coding strand, the reverse complement: NLRP12 is on the minus strand). VCF-style (leftmost placement, unchanged base first): chr19-53810465-GAA-G. GRCh37 (hg19) VCF-style: chr19-54313719-GAA-G.
Other names: c.1192_1193del, p.Phe398fs (NM_001277126.2, NM_001277129.1); short protein forms F398fs.
Identifiers: ClinVar variation 3706928 (VCV003706928.2).

ClinVar aggregate classification (germline): Uncertain significance (1 of 4 stars; one submission).

Conditions:
Familial cold autoinflammatory syndrome 2 (FCAS2). Identifiers: Orphanet 247868, MedGen C2673198, MONDO:0012724, OMIM 611762.

Submission:

Labcorp Genetics (formerly Invitae), Labcorp
Classification: Uncertain significance for Familial cold autoinflammatory syndrome 2. Last evaluated: 2024-09-19. Review status: criteria provided, single submitter. Criteria: Invitae Variant Classification Sherloc (09022015). Collection method: clinical testing. Allele origin: germline.
Comment: This sequence change creates a premature translational stop signal (p.Phe398Hisfs*79) in the NLRP12 gene. It is expected to result in an absent or disrupted protein product. However, the current clinical and genetic evidence is not sufficient to establish whether loss-of-function variants in NLRP12 cause disease. This variant is present in population databases (rs777373141, gnomAD 0.006%). This variant has not been reported in the literature in individuals affected with NLRP12-related conditions. In summary, the available evidence is currently insufficient to determine the role of this variant in disease. Therefore, it has been classified as a Variant of Uncertain Significance.